The following is an entry in ClinVar:

NM_022051.3(EGLN1):c.902C>T (p.Ala301Val)

Gene: EGLN1 (egl-9 family hypoxia inducible factor 1; minus strand). Cytogenetic location: 1q42.2.
Variant type: single nucleotide variant.
Coding change: c.902C>T on transcript NM_022051.3 (MANE Select); coding-DNA position 902, C replaced by T.
Protein change: p.Ala301Val; replaces alanine 301 with valine.
Molecular consequence: missense variant.
Genome position (GRCh38, 1-based): chr1:231,374,089, G>A on the plus strand (C>T on the coding strand, the complement: EGLN1 is on the minus strand). VCF-style: chr1-231374089-G-A. GRCh37 (hg19) VCF-style: chr1-231509835-G-A.
Other names: c.902C>T, p.Ala301Val (NM_001377260.1, NM_001377261.1); short protein forms A301V.
Identifiers: ClinVar variation 1765528 (VCV001765528.2), dbSNP rs2527237072, ClinGen allele CA345241709.

ClinVar aggregate classification (germline): Uncertain significance (1 of 4 stars; one submission).

gnomAD v4.1: 1 of 1,613,346 alleles (0.000062%); highest among the groups gnomAD compares: Non-Finnish European, 0.000085%; no homozygotes.

Submission:

Ambry Genetics
Classification: Uncertain significance. Last evaluated: 2022-01-08. Review status: criteria provided, single submitter. Criteria: Ambry Variant Classification Scheme 2023. Collection method: clinical testing. Allele origin: germline.
Comment: The p.A301V variant (also known as c.902C>T), located in coding exon 2 of the EGLN1 gene, results from a C to T substitution at nucleotide position 902. The alanine at codon 301 is replaced by valine, an amino acid with similar properties. This amino acid position is conserved. In addition, this alteration is predicted to be deleterious by in silico analysis. Since supporting evidence is limited at this time, the clinical significance of this alteration remains unclear.